The following is an entry in ClinVar:

NM_032383.5(HPS3):c.796_802del (p.Glu266fs)

Gene: HPS3 (HPS3 biogenesis of lysosomal organelles complex 2 subunit 1; plus strand). Cytogenetic location: 3q24.
Variant type: Deletion.
Coding change: c.796_802del on transcript NM_032383.5 (MANE Select); coding-DNA positions 796 to 802, 7 bases deleted (GAACAGT; older notation c.796_802delGAACAGT).
Protein change: p.Glu266fs; shifts the reading frame from glutamic acid 266.
Molecular consequence: frameshift variant.
Genome position (GRCh38, 1-based): chr3:149,141,100-149,141,106, GAACAGT deleted; deleting any 7 consecutive bases within chr3:149,141,097-149,141,106 gives the same sequence; the c. name uses the placement nearest the transcript's 3' end. VCF-style (leftmost placement, unchanged base first): chr3-149141096-AAGTGAAC-A. GRCh37 (hg19) VCF-style: chr3-148858883-AAGTGAAC-A.
Other names: c.301_307del, p.Glu101fs (NM_001308258.2); short protein forms E266fs, E101fs.
Identifiers: ClinVar variation 2124750 (VCV002124750.4), dbSNP rs2473072438, ClinGen allele CA2580068908.

ClinVar aggregate classification (germline): Pathogenic (1 of 4 stars; one submission).

Submission:

Labcorp Genetics (formerly Invitae), Labcorp
Classification: Pathogenic. Last evaluated: 2022-04-11. Review status: criteria provided, single submitter. Criteria: Invitae Variant Classification Sherloc (09022015). Collection method: clinical testing. Allele origin: germline.
Comment: This sequence change creates a premature translational stop signal (p.Glu266Leufs*12) in the HPS3 gene. It is expected to result in an absent or disrupted protein product. Loss-of-function variants in HPS3 are known to be pathogenic (PMID: 11590544). This variant is not present in population databases (gnomAD no frequency). For these reasons, this variant has been classified as Pathogenic. This variant has not been reported in the literature in individuals affected with HPS3-related conditions.

Literature cited by the submitters: PubMed 11590544.